The following is an entry in ClinVar:

ClinVar aggregate classification (germline): Uncertain significance (1 of 4 stars; one submission).

Conditions:
Developmental and epileptic encephalopathy, 47 (DEE47). Also called: Epileptic encephalopathy, early infantile, 47. Identifiers: MedGen C4310685, MONDO:0014949, OMIM 617166.

Allele frequency attached by ClinVar (database versions not stated): gnomAD exomes below 0.00001; gnomAD 0.00001; 1000 Genomes Project 30x 0.00016; 1000 Genomes Project 0.00020.
gnomAD v4.1: 1 of 1,612,494 alleles (0.000062%); highest among the groups gnomAD compares: Non-Finnish European, 0.000085%; no homozygotes.

Submission:

New York Genome Center
Classification: Uncertain significance for Developmental and epileptic encephalopathy, 47. Last evaluated: 2021-07-20. Review status: criteria provided, single submitter. Criteria: NYGC Assertion Criteria 2020. Collection method: clinical testing. Allele origin: inherited. Observed: 1 heterozygote. Study: CSER-NYCKidSeq.
Comment: The c.331G>C (p.Val111Leu) variant in exon 3 of 5 of FGF12 has not been reported in affected individuals in the available literature. This variant has a very low frequency in gnomAD v3 (allele frequency 0.000006590, 1/151748 alleles, 0 homozygotes) indicating it is not a common benign variant in the populations represented in this database. In silico predictors suggest this variant is Benign (REVEL score: 0.541) and tolerated (SIFT score: 0.111). Given the current evidence regarding its pathogenicity, the c.331G>C (p.Val111Leu) variant identified in the FGF12 gene is classified as a Variant of uncertain significance.

NM_004113.6(FGF12):c.145G>C (p.Val49Leu)

Gene: FGF12 (fibroblast growth factor 12; minus strand). Cytogenetic location: 3q28.
Variant type: single nucleotide variant.
Coding change: c.145G>C on transcript NM_004113.6 (MANE Select); coding-DNA position 145, G replaced by C.
Protein change: p.Val49Leu; replaces valine 49 with leucine.
Molecular consequence: missense variant.
Genome position (GRCh38, 1-based): chr3:192,335,444, C>G on the plus strand (G>C on the coding strand, the complement: FGF12 is on the minus strand). VCF-style: chr3-192335444-C-G. GRCh37 (hg19) VCF-style: chr3-192053233-C-G.
Other names: c.34G>C, p.Val12Leu (NM_001377292.1); c.73G>C, p.Val25Leu (NM_001377293.1, NM_001377294.1); c.331G>C, p.Val111Leu (NM_021032.5); short protein forms V111L, V12L, V25L, V49L.
Identifiers: ClinVar variation 1679725 (VCV001679725.1), dbSNP rs199832838, ClinGen allele CA90406252.